The following is an entry in ClinVar:

ClinVar aggregate classification (germline): Pathogenic (1 of 4 stars; one submission).

Conditions:
Familial adenomatous polyposis 1 (FAP1). Also called: POLYPOSIS, ADENOMATOUS INTESTINAL; FAMILIAL ADENOMATOUS POLYPOSIS 1, ATTENUATED. Identifiers: MedGen C2713442, MONDO:0021056, OMIM 175100. Disease mechanism: loss of function.

Submission:

Labcorp Genetics (formerly Invitae), Labcorp
Classification: Pathogenic for Familial adenomatous polyposis 1. Last evaluated: 2018-07-08. Review status: criteria provided, single submitter. Criteria: Invitae Variant Classification Sherloc (09022015). Collection method: clinical testing. Allele origin: germline.
Comment: This variant is not present in population databases (ExAC no frequency). This variant has not been reported in the literature in individuals with APC-related disease. Several different truncations downstream of this variant (p.Gln767*, p.Ser932*, p.Ala1050Glufs*6, and p.Gln1062*) have been determined to be pathogenic (PMID: 20685668, 23460355, 15771908, 16134147, 20685668). This suggests that deletion of this region of the APC protein is causative of disease. This sequence change results in a premature translational stop signal in the APC gene (p.Asn660Phefs*12). While this is not anticipated to result in nonsense mediated decay, it is expected to disrupt the last 2184 amino acids (~75%) of the APC protein. For these reasons, this variant has been classified as Pathogenic.

Literature cited by the submitters: PubMed 20685668; PubMed 23460355; PubMed 15771908; PubMed 16134147.

NM_000038.6(APC):c.1977_1978insTTTCT (p.Asn660fs)

Gene: APC (APC regulator of Wnt signaling pathway; plus strand). Cytogenetic location: 5q22.2.
Variant type: Insertion.
Coding change: c.1977_1978insTTTCT on transcript NM_000038.6 (MANE Select); coding-DNA positions 1977 to 1978, TTTCT inserted.
Protein change: p.Asn660fs; shifts the reading frame from asparagine 660.
Molecular consequence: frameshift variant.
Genome position: GRCh38 VCF-style: chr5-112837571-C-CTTTCT. GRCh37 (hg19) VCF-style: chr5-112173268-C-CTTTCT.
Other names: c.1977_1978insTTTCT, p.Asn660fs (NM_001127510.3, NM_001354895.2); c.1923_1924insTTTCT, p.Asn642fs (NM_001127511.3); c.2031_2032insTTTCT, p.Asn678fs (NM_001354896.2); c.2007_2008insTTTCT, p.Asn670fs (NM_001354897.2); c.1902_1903insTTTCT, p.Asn635fs (NM_001354898.2); c.1893_1894insTTTCT, p.Asn632fs (NM_001354899.2); c.1854_1855insTTTCT, p.Asn619fs (NM_001354900.2); c.1800_1801insTTTCT, p.Asn601fs (NM_001354901.2); and 5 more; short protein forms N601fs, N632fs, N635fs, N642fs, N559fs, N619fs, N660fs, N670fs.
Identifiers: ClinVar variation 652202 (VCV000652202.10), dbSNP rs1580617130, ClinGen allele CA915942612.